The following is an entry in ClinVar:

ClinVar aggregate classification (germline): Uncertain significance. Review status: criteria provided, multiple submitters, no conflicts (2 of 4 stars). 2 submissions from 2 submitters: Uncertain significance (2). Last evaluated 2025-06-11.

Conditions:
Cardiovascular phenotype. Identifiers: MedGen CN230736.
TTN-related disorder. Also called: TTN-related disorders; TTN-related condition; TTN-related disease.

Allele frequency attached by ClinVar (database versions not stated): gnomAD exomes below 0.00001; gnomAD 0.00001; TOPMed 0.00005.
gnomAD v4.1: 4 of 1,612,448 alleles (0.00025%); highest among the groups gnomAD compares: African/African-American, 0.0013%; no homozygotes.

Submissions (2):

PreventionGenetics, part of Exact Sciences
Classification: Uncertain significance for TTN-related condition. Last evaluated: 2025-06-11. Review status: criteria provided, single submitter. Criteria: ACMG Guidelines, 2015. Collection method: clinical testing. Allele origin: germline.
Comment: The TTN c.54974C>G variant is predicted to result in the amino acid substitution p.Pro18325Arg. To our knowledge, this variant has not been reported in the literature. This variant is reported in 0.00089% of alleles in individuals of European (Non-Finnish) descent in gnomAD. At this time, the clinical significance of this variant is uncertain due to the absence of conclusive functional and genetic evidence.

Ambry Genetics
Classification: Uncertain significance for Cardiovascular phenotype. Last evaluated: 2019-05-28. Review status: criteria provided, single submitter. Criteria: Ambry Variant Classification Scheme 2023. Collection method: clinical testing. Allele origin: germline.
Comment: The p.P9260R variant (also known as c.27779C>G), located in coding exon 110 of the TTN gene, results from a C to G substitution at nucleotide position 27779. The proline at codon 9260 is replaced by arginine, an amino acid with dissimilar properties. This amino acid position is not well conserved in available vertebrate species. In addition, this alteration is predicted to be possibly damaging PolyPhen in silico analysis. Since supporting evidence is limited at this time, the clinical significance of this alteration remains unclear.

NM_001267550.2(TTN):c.54974C>G (p.Pro18325Arg)

Genes: TTN (titin; minus strand), TTN-AS1 (TTN antisense RNA 1; plus strand). Cytogenetic location: 2q31.2.
Variant type: single nucleotide variant.
Coding change: c.54974C>G on transcript NM_001267550.2 (MANE Select); coding-DNA position 54974, C replaced by G.
Protein change: p.Pro18325Arg; replaces proline 18325 with arginine.
Molecular consequence: missense variant.
Genome position (GRCh38, 1-based): chr2:178,602,428, G>C on the plus strand (C>G on the coding strand, the complement: TTN is on the minus strand). VCF-style: chr2-178602428-G-C. GRCh37 (hg19) VCF-style: chr2-179467155-G-C.
Other names: c.27779C>G, p.Pro9260Arg (NM_003319.4); c.47270C>G, p.Pro15757Arg (NM_133378.4); c.28154C>G, p.Pro9385Arg (NM_133432.3); c.28355C>G, p.Pro9452Arg (NM_133437.4); c.50051C>G, p.Pro16684Arg (NM_001256850.1); short protein forms P18325R, P9260R, P15757R, P9385R, P16684R, P9452R.
Identifiers: ClinVar variation 1795858 (VCV001795858.3), dbSNP rs879091548, ClinGen allele CA60978488.
Genomic context (GRCh38, chr2:178,602,428, plus strand): 5'-TACTTCCTGAGCTCTTTCAGATTAGGCACCACACATTCACAGGTAGTTATAAGTTTGTCT[G>C]GTTCATTTACTCTTTTCCAGTCAGTAGTACCTTCTTCTTGCATTTCTACAATGTATCCTT-3'
Protein context (NP_001254479.2, residues 18315-18335): GTTDWKRVNE[Pro18325Arg]DKLITTCECV